The following is an entry in ClinVar:

NM_000179.3(MSH6):c.1423C>T (p.Gln475Ter)

Gene: MSH6 (mutS homolog 6; plus strand). Cytogenetic location: 2p16.3.
Variant type: single nucleotide variant.
Coding change: c.1423C>T on transcript NM_000179.3 (MANE Select); coding-DNA position 1423, C replaced by T.
Protein change: p.Gln475Ter; replaces glutamine 475 with a stop codon.
Molecular consequence: nonsense.
Genome position (GRCh38, 1-based): chr2:47,799,406, C>T. VCF-style: chr2-47799406-C-T. GRCh37 (hg19) VCF-style: chr2-48026545-C-T.
Other names: c.1033C>T, p.Gln345Ter (NM_001281492.2); c.517C>T, p.Gln173Ter (NM_001281493.2, NM_001281494.2); short protein forms Q475*, Q173*, Q345*.
Identifiers: ClinVar variation 455135 (VCV000455135.18), dbSNP rs1553412835, ClinGen allele CA346745416.

ClinVar aggregate classification (germline): Pathogenic. Review status: criteria provided, multiple submitters, no conflicts (2 of 4 stars). 6 submissions from 6 submitters: Pathogenic (6). Last evaluated 2025-01-30.

Conditions:
Hereditary nonpolyposis colorectal neoplasms. Identifiers: MedGen C0009405, MeSH D003123.
Hereditary cancer-predisposing syndrome. Also called: Hereditary Cancer Syndrome; Hereditary neoplastic syndrome; Neoplastic Syndromes, Hereditary; Tumor predisposition. Identifiers: Orphanet 140162, MedGen C0027672, MeSH D009386, MONDO:0015356.
Lynch syndrome 5 (LYNCH5). Also called: Hereditary non-polyposis colorectal cancer, type 5; Colorectal cancer, hereditary nonpolyposis, type 5. Identifiers: Orphanet 144, MedGen C1833477, MONDO:0013710, OMIM 614350. Disease mechanism: loss of function.

Submissions (6):

Molecular Pathology, Peter Maccallum Cancer Centre
Classification: Pathogenic for Lynch syndrome 5. Last evaluated: 2025-01-30. Review status: criteria provided, single submitter. Criteria: ACMG Guidelines, 2015. Collection method: clinical testing. Allele origin: germline. Inheritance: Autosomal dominant inheritance.

Labcorp Genetics (formerly Invitae), Labcorp
Classification: Pathogenic for Hereditary nonpolyposis colorectal neoplasms. Last evaluated: 2024-08-11. Review status: criteria provided, single submitter. Criteria: Invitae Variant Classification Sherloc (09022015). Collection method: clinical testing. Allele origin: germline.
Comment: This sequence change creates a premature translational stop signal (p.Gln475*) in the MSH6 gene. It is expected to result in an absent or disrupted protein product. Loss-of-function variants in MSH6 are known to be pathogenic (PMID: 18269114, 24362816). This variant is not present in population databases (gnomAD no frequency). This premature translational stop signal has been observed in individual(s) with clinical features of Lynch syndrome (PMID: 33414168). ClinVar contains an entry for this variant (Variation ID: 455135). For these reasons, this variant has been classified as Pathogenic.

Institute of Human Genetics, University of Leipzig Medical Center
Classification: Pathogenic for Lynch syndrome 5. Last evaluated: 2024-04-03. Review status: criteria provided, single submitter. Criteria: ACMG Guidelines, 2015. Collection method: clinical testing. Allele origin: unknown. Inheritance: Autosomal dominant inheritance. Affected: yes.
Comment: Criteria applied: PVS1,PM2_SUP,PP4

Myriad Genetics, Inc.
Classification: Pathogenic for Lynch syndrome 5. Last evaluated: 2023-08-14. Review status: criteria provided, single submitter. Criteria: Myriad Autosomal Dominant, Autosomal Recessive and X-Linked Classification Criteria (2023). Collection method: clinical testing. Allele origin: unknown.
Comment: This variant is considered pathogenic. This variant creates a termination codon and is predicted to result in premature protein truncation.

Ambry Genetics
Classification: Pathogenic for Hereditary cancer-predisposing syndrome. Last evaluated: 2021-05-27. Review status: criteria provided, single submitter. Criteria: Ambry Variant Classification Scheme 2023. Collection method: clinical testing. Allele origin: germline.
Comment: The p.Q475* pathogenic mutation (also known as c.1423C>T), located in coding exon 4 of the MSH6 gene, results from a C to T substitution at nucleotide position 1423. This changes the amino acid from a glutamine to a stop codon within coding exon 4. In addition to the clinical data presented in the literature, this alteration is expected to result in loss of function by premature protein truncation or nonsense-mediated mRNA decay. As such, this alteration is interpreted as a disease-causing mutation.

Color Diagnostics, LLC DBA Color Health
Classification: Pathogenic for Hereditary cancer-predisposing syndrome. Last evaluated: 2020-01-15. Review status: criteria provided, single submitter. Criteria: ACMG Guidelines, 2015. Collection method: clinical testing. Allele origin: germline.
Comment: This variant changes 1 nucleotide in exon 4 of the MSH6 gene, creating a premature translation stop signal. This variant is expected to result in an absent or non-functional protein product. This variant has not been identified in the general population by the Genome Aggregation Database (gnomAD). Loss of MSH6 function is a known mechanism of disease. Based on the available evidence, this variant is classified as Pathogenic.

Literature cited by the submitters: PubMed 18269114 (cited by Labcorp Genetics (formerly Invitae), Labcorp); PubMed 24362816 (cited by Labcorp Genetics (formerly Invitae), Labcorp); PubMed 33414168 (cited by Labcorp Genetics (formerly Invitae), Labcorp); PubMed 21636617 (cited by Ambry Genetics); PubMed 22949379 (cited by Ambry Genetics).